The following is an entry in ClinVar:

NM_002354.3(EPCAM):c.190G>T (p.Ala64Ser)

Gene: EPCAM (epithelial cell adhesion molecule; plus strand). Cytogenetic location: 2p21.
Variant type: single nucleotide variant.
Coding change: c.190G>T on transcript NM_002354.3 (MANE Select); coding-DNA position 190, G replaced by T.
Protein change: p.Ala64Ser; replaces alanine 64 with serine.
Molecular consequence: missense variant.
Genome position (GRCh38, 1-based): chr2:47,373,813, G>T. VCF-style: chr2-47373813-G-T. GRCh37 (hg19) VCF-style: chr2-47600952-G-T.
Other names: short protein forms A64S.
Identifiers: ClinVar variation 3509159 (VCV003509159.3).

ClinVar aggregate classification (germline): Conflicting classifications of pathogenicity. Review status: criteria provided, conflicting classifications (1 of 4 stars). 2 submissions from 2 submitters: Uncertain significance (1); Likely benign (1). Last evaluated 2025-01-09.

Conditions:
Hereditary cancer-predisposing syndrome. Also called: Hereditary neoplastic syndrome; Neoplastic Syndromes, Hereditary; Tumor predisposition; Hereditary Cancer Syndrome. Identifiers: Orphanet 140162, MedGen C0027672, MeSH D009386, MONDO:0015356.

Submissions (2):

Dasa
Classification: Uncertain significance. Last evaluated: 2025-01-09. Review status: criteria provided, single submitter. Criteria: DASA Assertion Criteria. Collection method: clinical testing. Allele origin: germline.
Comment: NM_002354.3(EPCAM):c.190G>T (p.Ala64Ser) is a missense variant that results in the substitution of alanine with serine. This variant is absent from population databases. Computational prediction algorithms are consistent with a benign effect. The currently available literature and clinical evidence are not sufficient to establish a definitive association between this variant and the reported condition. Therefore, this variant is classified as a variant of uncertain significance.

Ambry Genetics
Classification: Likely benign for Hereditary cancer-predisposing syndrome. Last evaluated: 2024-10-05. Review status: criteria provided, single submitter. Criteria: Ambry Variant Classification Scheme 2023. Collection method: clinical testing. Allele origin: germline.